The following is an entry in ClinVar:

ClinVar aggregate classification (germline): Uncertain significance (1 of 4 stars; one submission).

Conditions:
PRPH2-related disorder. Also called: PRPH2-related condition; PRPH2-related disorders. Identifiers: MedGen CN239395.

Allele frequency attached by ClinVar (database versions not stated): TOPMed below 0.00001; gnomAD 0.00001.
gnomAD v4.1: 1 of 1,614,050 alleles (0.000062%); highest among the groups gnomAD compares: Non-Finnish European, 0.000085%; no homozygotes.

Submission:

Labcorp Genetics (formerly Invitae), Labcorp
Classification: Uncertain significance for PRPH2-related disorder. Last evaluated: 2024-11-05. Review status: criteria provided, single submitter. Criteria: Invitae Variant Classification Sherloc (09022015). Collection method: clinical testing. Allele origin: germline.
Comment: This sequence change replaces glutamic acid, which is acidic and polar, with lysine, which is basic and polar, at codon 302 of the PRPH2 protein (p.Glu302Lys). This variant is not present in population databases (gnomAD no frequency). This variant has not been reported in the literature in individuals affected with PRPH2-related conditions. ClinVar contains an entry for this variant (Variation ID: 1380294). Invitae Evidence Modeling of protein sequence and biophysical properties (such as structural, functional, and spatial information, amino acid conservation, physicochemical variation, residue mobility, and thermodynamic stability) has been performed for this missense variant. However, the output from this modeling did not meet the statistical confidence thresholds required to predict the impact of this variant on PRPH2 protein function. In summary, the available evidence is currently insufficient to determine the role of this variant in disease. Therefore, it has been classified as a Variant of Uncertain Significance.

NM_000322.5(PRPH2):c.904G>A (p.Glu302Lys)

Gene: PRPH2 (peripherin 2; minus strand). Cytogenetic location: 6p21.1.
Variant type: single nucleotide variant.
Coding change: c.904G>A on transcript NM_000322.5 (MANE Select); coding-DNA position 904, G replaced by A.
Protein change: p.Glu302Lys; replaces glutamic acid 302 with lysine.
Molecular consequence: missense variant.
Genome position (GRCh38, 1-based): chr6:42,698,432, C>T on the plus strand (G>A on the coding strand, the complement: PRPH2 is on the minus strand). VCF-style: chr6-42698432-C-T. GRCh37 (hg19) VCF-style: chr6-42666170-C-T.
Other names: short protein forms E302K.
Identifiers: ClinVar variation 1380294 (VCV001380294.6), dbSNP rs61748430, ClinGen allele CA364133216.